The following is an entry in ClinVar:

ClinVar aggregate classification (germline): Uncertain significance (1 of 4 stars; one submission).

Conditions:
Combined immunodeficiency due to moesin deficiency. Also called: IMMUNODEFICIENCY 50, X-LINKED RECESSIVE; Immunodeficiency 50. Identifiers: Orphanet 504530, MedGen C5568123, MONDO:0010514, OMIM 300988.

gnomAD v4.1: 3 of 1,208,790 alleles (0.00025%); highest among the groups gnomAD compares: African/African-American, 0.0017%; no homozygotes.

Submissions (2):

Next Generation Genetic Polyclinic
Classification: Uncertain significance for Combined immunodeficiency due to moesin deficiency. Last evaluated: 2025-05-06. Review status: criteria provided, single submitter. Criteria: ACMG Guidelines, 2015. Collection method: curation. Allele origin: germline. Affected: yes. Observed: 1 variant allele.
Comment: Novel missense variant in the MSN gene (NM_002444.3:c.1141C>T), identified through curation and currently classified as a Variant of Uncertain Significance (VUS). This germline, hemizygous alteration follows X-linked recessive inheritance and affects a conserved coding region, with uncertain predictions regarding its functional impact. The variant is absent from population databases (PM2) and has not been previously reported in ClinVar or scientific literature. In silico evidence is inconclusive, contributing to the uncertainty of classification. ACMG criteria met include PM2, PP3 (if supported by specific predictive tools), and PP4 (if clinical phenotype aligns with MSN-associated conditions).

Dr. Peter K. Rogan Lab, Western University
No classification provided (evidence only). Condition: Nonpapillary renal cell carcinoma. Review status: no classification provided. Collection method: in vitro. Allele origin: not applicable. Functional consequence: retained intron. Not counted in ClinVar's aggregate classification.

NM_002444.3(MSN):c.1141C>T (p.Arg381Cys)

Gene: MSN (moesin; plus strand). Cytogenetic location: Xq12.
Variant type: single nucleotide variant.
Coding change: c.1141C>T on transcript NM_002444.3 (MANE Select); coding-DNA position 1141, C replaced by T.
Protein change: p.Arg381Cys; replaces arginine 381 with cysteine.
Molecular consequence: missense variant.
Genome position (GRCh38, 1-based): chrX:65,737,228, C>T. VCF-style: chrX-65737228-C-T. GRCh37 (hg19) VCF-style: chrX-64957090-C-T.
Other names: NC_000023.10:g.64957090C>T; short protein forms R381C.
Identifiers: ClinVar variation 4071546 (VCV004071546.2).